The following is an entry in ClinVar:

ClinVar aggregate classification (germline): Pathogenic (1 of 4 stars; one submission).

Submission:

Quest Diagnostics Nichols Institute San Juan Capistrano
Classification: Pathogenic. Last evaluated: 2022-12-12. Review status: criteria provided, single submitter. Criteria: ACMG/ClinGen CNV Guidelines, 2019. Collection method: clinical testing. Allele origin: unknown.
Comment: This recurrent deletion interval (BP1-BP2) is associated with chromosome 15q11.2 deletion syndrome (OMIM 615656). Deletion of the 15q11.2 (including NIPA1 and NIPA2 locus) region has previously been reported in association with highly variable clinical phenotypes (Butler 2017, ENIGMA-CNV Working Group 2020, Jonch 2019, Kendall 2019, Stefansson 2014, Coe 2014). Currently, this copy number loss is best described as a susceptibility locus with variable phenotypic expressivity and incomplete penetrance. ClinGen updated the 15q11.2 haploinsufficiency dosage sensitivity to pathogenic (HI score of 3). Therefore, this deletion is interpreted as pathogenic with reduced penetrance. References: Butler, J Intellect Disabil Res. 2017 Jun;61(6):568-579. PMID: 28387067 ENIGMA-CNV Working Group, JAMA Psychiatry. 2020 Apr 1;77(4):420-430. PMID: 31665216 Jonch et al., J Med Genet. 2019 Oct;56(10):701-710. PMID: 31451536 Kendall et al., Br J Psychiatry. 2019 May;214(5):297-304. PMID: 30767844 Coe et al., Nat Genet. 2014 Oct;46(10):1063-71., PMID: 25217958 Stefansson et al., Nature. 2014 Jan 16;505(7483):361-6. PMID: 24352232

GRCh37/hg19 15q11.2(chr15:22770422-23195725)x1

Genes: CYFIP1 (cytoplasmic FMR1 interacting protein 1; minus strand), NIPA1 (NIPA magnesium transporter 1; plus strand), NIPA2 (NIPA magnesium transporter 2; plus strand), TUBGCP5 (tubulin gamma complex component 5; minus strand). Cytogenetic location: 15q11.2.
Variant type: copy number loss.
Change: copy number 1 (one copy instead of two) of chr15:22,770,422-23,195,725 (425.3 kb, GRCh37 coordinates, 1-based), cytogenetic band 15q11.2.
Identifiers: ClinVar variation 1340320 (VCV001340320.2).